The following is an entry in ClinVar:

NM_000135.4(FANCA):c.3172G>A (p.Ala1058Thr)

Gene: FANCA (FA complementation group A; minus strand). Cytogenetic location: 16q24.3.
Variant type: single nucleotide variant.
Coding change: c.3172G>A on transcript NM_000135.4 (MANE Select); coding-DNA position 3172, G replaced by A.
Protein change: p.Ala1058Thr; replaces alanine 1058 with threonine.
Molecular consequence: missense variant.
Genome position (GRCh38, 1-based): chr16:89,749,797, C>T on the plus strand (G>A on the coding strand, the complement: FANCA is on the minus strand). VCF-style: chr16-89749797-C-T. GRCh37 (hg19) VCF-style: chr16-89816205-C-T.
Other names: c.3172G>A, p.Ala1058Thr (NM_001286167.3); short protein forms A1058T.
Identifiers: ClinVar variation 3848274 (VCV003848274.1).

ClinVar aggregate classification (germline): Uncertain significance (1 of 4 stars; one submission).

Conditions:
Inborn genetic diseases. Identifiers: MedGen C0950123, MeSH D030342.

gnomAD v4.1: 1 of 1,614,238 alleles (0.000062%); no homozygotes.

Submission:

Ambry Genetics
Classification: Uncertain significance for Inborn genetic diseases. Last evaluated: 2025-02-28. Review status: criteria provided, single submitter. Criteria: Ambry Variant Classification Scheme 2023. Collection method: clinical testing. Allele origin: germline.
Comment: The p.A1058T variant (also known as c.3172G>A), located in coding exon 32 of the FANCA gene, results from a G to A substitution at nucleotide position 3172. The alanine at codon 1058 is replaced by threonine, an amino acid with similar properties. This amino acid position is conserved. In addition, this alteration is predicted to be tolerated by in silico analysis. Based on the available evidence, the clinical significance of this variant remains unclear.